The following is an entry in ClinVar:

ClinVar aggregate classification (germline): Uncertain significance (1 of 4 stars; one submission).

Conditions:
Hypertrophic cardiomyopathy. Also called: HYPERTROPHIC MYOCARDIOPATHY. Identifiers: Orphanet 217569, MedGen C0007194, MeSH D002312, MONDO:0005045, HP:0001639.

Allele frequency attached by ClinVar (database versions not stated): TOPMed 0.00001; gnomAD 0.00002; gnomAD exomes 0.00002; ExAC 0.00003.
gnomAD v4.1: 39 of 1,613,806 alleles (0.0024%); highest among the groups gnomAD compares: African/African-American, 0.0053%; no homozygotes.

Submission:

Labcorp Genetics (formerly Invitae), Labcorp
Classification: Uncertain significance for Hypertrophic cardiomyopathy. Last evaluated: 2024-08-24. Review status: criteria provided, single submitter. Criteria: Invitae Variant Classification Sherloc (09022015). Collection method: clinical testing. Allele origin: germline.
Comment: This sequence change replaces asparagine, which is neutral and polar, with serine, which is neutral and polar, at codon 815 of the MYOM1 protein (p.Asn815Ser). This variant is present in population databases (rs753118578, gnomAD 0.005%). This missense change has been observed in individual(s) with a congenital heart defect (PMID: 35885997). ClinVar contains an entry for this variant (Variation ID: 1501926). Invitae Evidence Modeling of protein sequence and biophysical properties (such as structural, functional, and spatial information, amino acid conservation, physicochemical variation, residue mobility, and thermodynamic stability) indicates that this missense variant is expected to disrupt MYOM1 protein function with a positive predictive value of 80%. In summary, the available evidence is currently insufficient to determine the role of this variant in disease. Therefore, it has been classified as a Variant of Uncertain Significance.

Literature cited by the submitters: PubMed 35885997.

NM_003803.4(MYOM1):c.2444A>G (p.Asn815Ser)

Gene: MYOM1 (myomesin 1; minus strand). Cytogenetic location: 18p11.31.
Variant type: single nucleotide variant.
Coding change: c.2444A>G on transcript NM_003803.4 (MANE Select); coding-DNA position 2444, A replaced by G.
Protein change: p.Asn815Ser; replaces asparagine 815 with serine.
Molecular consequence: missense variant.
Genome position (GRCh38, 1-based): chr18:3,131,437, T>C on the plus strand (A>G on the coding strand, the complement: MYOM1 is on the minus strand). VCF-style: chr18-3131437-T-C. GRCh37 (hg19) VCF-style: chr18-3131435-T-C.
Other names: c.2444A>G, p.Asn815Ser (NM_019856.2); short protein forms N815S.
Identifiers: ClinVar variation 1501926 (VCV001501926.8), dbSNP rs753118578, ClinGen allele CA8874634.